The following is an entry in ClinVar:

NM_139057.4(ADAMTS17):c.1887C>T (p.Asp629=)

Gene: ADAMTS17 (ADAM metallopeptidase with thrombospondin type 1 motif 17; minus strand). Cytogenetic location: 15q26.3.
Variant type: single nucleotide variant.
Coding change: c.1887C>T on transcript NM_139057.4 (MANE Select); coding-DNA position 1887, C replaced by T.
Protein change: p.Asp629=; no amino-acid change (aspartic acid 629 retained).
Molecular consequence: synonymous variant.
Genome position (GRCh38, 1-based): chr15:100,116,848, G>A on the plus strand (C>T on the coding strand, the complement: ADAMTS17 is on the minus strand). VCF-style: chr15-100116848-G-A. GRCh37 (hg19) VCF-style: chr15-100657053-G-A.
Other names: c.1887C>T (NM_139057.3).
Identifiers: ClinVar variation 315280 (VCV000315280.11), dbSNP rs145594305, ClinGen allele CA7758025.
Genomic context (GRCh38, chr15:100,116,848, plus strand): 5'-TTTATATTCTTAGGGGAGGACAGGAGGCTGCCATGCAAGGACATGCCATATGCCTTTACC[G>A]TCAACCACCACGGCTGTCAGCAGGCCTTTCTTCTTGGGGCTCAGCCGGTCGTGTGCCTGG-3'
Protein context (NP_620688.2, residues 619-639): KKGLLTAVVV[Asp629=]DKPCELYCSP

ClinVar aggregate classification (germline): Uncertain significance. Review status: criteria provided, multiple submitters, no conflicts (2 of 4 stars). 3 submissions from 3 submitters: Uncertain significance (2). 1 of the submissions does not count toward it. Last evaluated 2025-02-03.

Conditions:
ADAMTS17-related disorder. Also called: ADAMTS17-related condition.

Allele frequency attached by ClinVar (database versions not stated): gnomAD 0.00017 and 0.00018; gnomAD exomes 0.00022 and 0.00051; TOPMed 0.00024; ExAC 0.00025; ESP Exome Variant Server 0.00077.
gnomAD v4.1: 750 of 1,614,114 alleles (0.046%); highest among the groups gnomAD compares: Middle Eastern, 0.13%; no homozygotes.

Submissions (3):

Labcorp Genetics (formerly Invitae), Labcorp
Classification: Uncertain significance. Last evaluated: 2025-02-03. Review status: criteria provided, single submitter. Criteria: Invitae Variant Classification Sherloc (09022015). Collection method: clinical testing. Allele origin: germline.
Comment: This sequence change affects codon 629 of the ADAMTS17 mRNA. It is a 'silent' change, meaning that it does not change the encoded amino acid sequence of the ADAMTS17 protein. It affects a nucleotide within the consensus splice site. This variant is present in population databases (rs145594305, gnomAD 0.04%), including at least one homozygous and/or hemizygous individual. This variant has not been reported in the literature in individuals affected with ADAMTS17-related conditions. ClinVar contains an entry for this variant (Variation ID: 315280). Algorithms developed to predict the effect of sequence changes on RNA splicing suggest that this variant is not likely to affect RNA splicing. In summary, the available evidence is currently insufficient to determine the role of this variant in disease. Therefore, it has been classified as a Variant of Uncertain Significance.

Blueprint Genetics
Classification: Uncertain significance. Last evaluated: 2024-10-25. Review status: criteria provided, single submitter. Criteria: ACMG Guidelines, 2015. Collection method: clinical testing. Allele origin: germline.

PreventionGenetics, part of Exact Sciences
Classification: Likely benign for ADAMTS17-related condition. Last evaluated: 2022-12-22. Review status: no assertion criteria provided. Collection method: clinical testing. Allele origin: germline. Not counted in ClinVar's aggregate classification.
Comment: This variant is classified as likely benign based on ACMG/AMP sequence variant interpretation guidelines (Richards et al. 2015 PMID: 25741868, with internal and published modifications).